The following is an entry in ClinVar:

ClinVar aggregate classification (germline): Pathogenic (1 of 4 stars; one submission).

Conditions:
Autosomal recessive limb-girdle muscular dystrophy type 2L (LGMDR12). Also called: Limb-girdle muscular dystrophy, type 2L; Limb-Girdle Muscular Dystrophy R12 Anoctamin-5-Related (LGMD-R12); MUSCULAR DYSTROPHY, LIMB-GIRDLE, AUTOSOMAL RECESSIVE 12. Identifiers: Orphanet 206549, MedGen C1969785, MONDO:0012652, OMIM 611307.
Gnathodiaphyseal dysplasia (GDD). Also called: GNATHODIAPHYSEAL SCLEROSIS; OSTEOGENESIS IMPERFECTA WITH UNUSUAL SKELETAL LESIONS. Identifiers: Orphanet 53697, MedGen C1833736, MONDO:0008151, OMIM 166260.

Allele frequency attached by ClinVar (database versions not stated): gnomAD exomes below 0.00001.
gnomAD v4.1: 1 of 1,612,978 alleles (0.000062%); highest among the groups gnomAD compares: East Asian, 0.0022%; no homozygotes.

Submission:

Labcorp Genetics (formerly Invitae), Labcorp
Classification: Pathogenic for Autosomal recessive limb-girdle muscular dystrophy type 2L; Gnathodiaphyseal dysplasia. Last evaluated: 2024-11-21. Review status: criteria provided, single submitter. Criteria: Invitae Variant Classification Sherloc (09022015). Collection method: clinical testing. Allele origin: germline.
Comment: This sequence change creates a premature translational stop signal (p.Gln275*) in the ANO5 gene. It is expected to result in an absent or disrupted protein product. Loss-of-function variants in ANO5 are known to be pathogenic (PMID: 21186264, 23606453, 25891276, 30919934). This variant is not present in population databases (gnomAD no frequency). This variant has not been reported in the literature in individuals affected with ANO5-related conditions. ClinVar contains an entry for this variant (Variation ID: 1076523). Algorithms developed to predict the effect of sequence changes on RNA splicing suggest that this variant may disrupt the consensus splice site. For these reasons, this variant has been classified as Pathogenic.

Literature cited by the submitters: PubMed 21186264; PubMed 23606453; PubMed 25891276; PubMed 30919934.

NM_213599.3(ANO5):c.823C>T (p.Gln275Ter)

Gene: ANO5 (anoctamin 5; plus strand). Cytogenetic location: 11p14.3.
Variant type: single nucleotide variant.
Coding change: c.823C>T on transcript NM_213599.3 (MANE Select); coding-DNA position 823, C replaced by T.
Protein change: p.Gln275Ter; replaces glutamine 275 with a stop codon.
Molecular consequence: nonsense.
Genome position (GRCh38, 1-based): chr11:22,239,629, C>T. VCF-style: chr11-22239629-C-T. GRCh37 (hg19) VCF-style: chr11-22261175-C-T.
Other names: c.820C>T, p.Gln274Ter (NM_001142649.2); short protein forms Q274*, Q275*.
Identifiers: ClinVar variation 1076523 (VCV001076523.9), dbSNP rs766994696, ClinGen allele CA379920492.